The following is an entry in ClinVar:

NM_000548.5(TSC2):c.5344G>C (p.Ala1782Pro)

Gene: TSC2 (TSC complex subunit 2; plus strand). Cytogenetic location: 16p13.3.
Variant type: single nucleotide variant.
Coding change: c.5344G>C on transcript NM_000548.5 (MANE Select); coding-DNA position 5344, G replaced by C.
Protein change: p.Ala1782Pro; replaces alanine 1782 with proline.
Molecular consequence: missense variant. On other transcripts: non-coding transcript variant (5).
Genome position (GRCh38, 1-based): chr16:2,088,530, G>C. VCF-style: chr16-2088530-G-C. GRCh37 (hg19) VCF-style: chr16-2138531-G-C.
Other names: c.5143G>C, p.Ala1715Pro (NM_001077183.3); c.5275G>C, p.Ala1759Pro (NM_001114382.3); c.5035G>C, p.Ala1679Pro (NM_001318827.2); c.4999G>C, p.Ala1667Pro (NM_001318829.2); c.4612G>C, p.Ala1538Pro (NM_001318831.2); c.3799G>C, p.Ala1267Pro (NM_001406697.1, NM_001406695.1, NM_001406696.1); c.3541G>C, p.Ala1181Pro (NM_001406698.1); c.5215G>C, p.Ala1739Pro (NM_021055.3); and 27 more; short protein forms A1538P, A1710P, A1712P, A1735P, A1758P, A1267P, A1290P, A1711P.
Identifiers: ClinVar variation 4826464 (VCV004826464.1).

ClinVar aggregate classification (germline): Uncertain significance (1 of 4 stars; one submission).

Conditions:
Hereditary cancer-predisposing syndrome. Also called: Neoplastic Syndromes, Hereditary; Tumor predisposition; Hereditary Cancer Syndrome; Hereditary neoplastic syndrome. Identifiers: Orphanet 140162, MedGen C0027672, MeSH D009386, MONDO:0015356.

gnomAD v4.1: 1 of 1,612,220 alleles (0.000062%); highest among the groups gnomAD compares: Non-Finnish European, 0.000085%; no homozygotes.

Submission:

Ambry Genetics
Classification: Uncertain significance for Hereditary cancer-predisposing syndrome. Last evaluated: 2026-03-02. Review status: criteria provided, single submitter. Criteria: Ambry Variant Classification Scheme 2023. Collection method: clinical testing. Allele origin: germline.
Comment: The p.A1782P variant (also known as c.5344G>C), located in coding exon 41 of the TSC2 gene, results from a G to C substitution at nucleotide position 5344. The alanine at codon 1782 is replaced by proline, an amino acid with highly similar properties. This amino acid position is conserved. In addition, the in silico prediction for this alteration is inconclusive. Based on the available evidence, the clinical significance of this variant remains unclear.